The following is an entry in ClinVar:

ClinVar aggregate classification (germline): Conflicting classifications of pathogenicity. Review status: criteria provided, conflicting classifications (1 of 4 stars). 3 submissions from 3 submitters: Uncertain significance (1); Likely benign (2). Last evaluated 2026-05-26.

Allele frequency attached by ClinVar (database versions not stated): gnomAD exomes 0.00008 and 0.00016; ExAC 0.00021; 1000 Genomes Project 30x 0.00062; gnomAD 0.00070 and 0.00075; ESP Exome Variant Server 0.00077; TOPMed 0.00077; 1000 Genomes Project 0.00080.
gnomAD v4.1: 246 of 1,614,148 alleles (0.015%); highest among the groups gnomAD compares: African/African-American, 0.27%; 2 homozygotes.

Submissions (4):

Women's Health and Genetics/Laboratory Corporation of America, LabCorp
Classification: Likely benign. Last evaluated: 2026-05-26. Review status: criteria provided, single submitter. Criteria: LabCorp Variant Classification Summary - May 2015. Collection method: clinical testing. Allele origin: germline.
Comment: Variant summary: VWF c.5384C>T (p.Ala1795Val) results in a non-conservative amino acid change located in the von Willebrand factor, type A domain (IPR002035) of the encoded protein sequence. Algorithms developed to predict the effect of missense changes on protein structure and function are either unavailable or do not agree on the potential impact of this missense change. The variant allele was found at a frequency of 0.00015 in 1614148 control chromosomes, predominantly at a frequency of 0.0027 within the African or African-American subpopulation in the gnomAD database, including one homozygote. The observed variant frequency within African or African-American control individuals in the gnomAD database exceeds the estimated maximal expected allele frequency for disease-causing variants in VWF. c.5384C>T has been reported in the literature in individuals affected with bleeding disorders as well as in healthy controls (Bellissimo_2011, Baz_2021). These reports do not provide unequivocal conclusions about association of the variant with disease. To our knowledge, no experimental evidence demonstrating an impact on protein function has been reported. The following publications have been ascertained in the context of this evaluation (PMID: 34272389, 22197721, 23216583). ClinVar contains an entry for this variant (Variation ID: 2581494). Based on the evidence outlined above, the variant was classified as likely benign.

Mayo Clinic Laboratories, Mayo Clinic
Classification: Uncertain significance. Last evaluated: 2024-12-23. Review status: criteria provided, single submitter. Criteria: ACMG Guidelines, 2015. Collection method: clinical testing. Allele origin: germline. Observed: 1 variant allele.
Comment: BP4

Blueprint Genetics
Classification: Likely benign. Last evaluated: 2023-09-20. Review status: criteria provided, single submitter. Criteria: ACMG Guidelines, 2015. Collection method: clinical testing. Allele origin: germline.

Dr. Peter K. Rogan Lab, Western University
No classification provided (evidence only). Condition: Uterine corpus endometrial carcinoma. Review status: no classification provided. Collection method: in vitro. Allele origin: not applicable. Functional consequence: retained intron. Not counted in ClinVar's aggregate classification.

Literature cited by the submitters: PubMed 22197721 (cited by Women's Health and Genetics/Laboratory Corporation of America, LabCorp and Mayo Clinic Laboratories, Mayo Clinic); PubMed 34272389 (cited by Women's Health and Genetics/Laboratory Corporation of America, LabCorp and Mayo Clinic Laboratories, Mayo Clinic); PubMed 23216583 (cited by Women's Health and Genetics/Laboratory Corporation of America, LabCorp).

NM_000552.5(VWF):c.5384C>T (p.Ala1795Val)

Gene: VWF (von Willebrand factor; minus strand). Cytogenetic location: 12p13.31.
Variant type: single nucleotide variant.
Coding change: c.5384C>T on transcript NM_000552.5 (MANE Select); coding-DNA position 5384, C replaced by T.
Protein change: p.Ala1795Val; replaces alanine 1795 with valine.
Molecular consequence: missense variant.
Genome position (GRCh38, 1-based): chr12:6,016,160, G>A on the plus strand (C>T on the coding strand, the complement: VWF is on the minus strand). VCF-style: chr12-6016160-G-A. GRCh37 (hg19) VCF-style: chr12-6125326-G-A.
Other names: NC_000012.11:g.6125326G>A; p.Ala1795Val; c.5384C>T (NM_000552.4); short protein forms A1795V.
Identifiers: ClinVar variation 2581494 (VCV002581494.6), dbSNP rs146729537, ClinGen allele CA6402284.